The following is an entry in ClinVar:

NM_003628.6(PKP4):c.1222G>A (p.Asp408Asn)

Gene: PKP4 (plakophilin 4; plus strand). Cytogenetic location: 2q24.1.
Variant type: single nucleotide variant.
Coding change: c.1222G>A on transcript NM_003628.6 (MANE Select); coding-DNA position 1222, G replaced by A.
Protein change: p.Asp408Asn; replaces aspartic acid 408 with asparagine.
Molecular consequence: missense variant.
Genome position (GRCh38, 1-based): chr2:158,631,821, G>A. VCF-style: chr2-158631821-G-A. GRCh37 (hg19) VCF-style: chr2-159488333-G-A.
Other names: c.1222G>A, p.Asp408Asn (NM_001005476.4, NM_001304969.3, NM_001304971.2 and 6 more transcripts); c.196G>A, p.Asp66Asn (NM_001304970.3); c.1216G>A, p.Asp406Asn (NM_001377222.1, NM_001377223.1, NM_001377224.1); short protein forms D406N, D66N, D408N.
Identifiers: ClinVar variation 3889674 (VCV003889674.1).

ClinVar aggregate classification (germline): Uncertain significance (1 of 4 stars; one submission).

gnomAD v4.1: 10 of 1,614,042 alleles (0.00062%); highest among the groups gnomAD compares: Middle Eastern, 0.017%; no homozygotes.

Submission:

Ambry Genetics
Classification: Uncertain significance. Last evaluated: 2025-02-27. Review status: criteria provided, single submitter. Criteria: Ambry Variant Classification Scheme 2023. Collection method: clinical testing. Allele origin: germline.
Comment: The p.D408N variant (also known as c.1222G>A), located in coding exon 7 of the PKP4 gene, results from a G to A substitution at nucleotide position 1222. The aspartic acid at codon 408 is replaced by asparagine, an amino acid with highly similar properties. This amino acid position is conserved. In addition, this alteration is predicted to be tolerated by in silico analysis. Based on the available evidence, the clinical significance of this variant remains unclear.